The following is an entry in ClinVar:

ClinVar aggregate classification (germline): Uncertain significance. Review status: criteria provided, multiple submitters, no conflicts (2 of 4 stars). 2 submissions from 2 submitters: Uncertain significance (2). Last evaluated 2026-08-18.

Conditions:
Renal cell carcinoma. Identifiers: Orphanet 217071, MedGen C0007134, MeSH D002292, MONDO:0005086, HP:0005584.
Hereditary cancer-predisposing syndrome. Also called: Hereditary Cancer Syndrome; Tumor predisposition; Neoplastic Syndromes, Hereditary; Hereditary neoplastic syndrome. Identifiers: Orphanet 140162, MedGen C0027672, MeSH D009386, MONDO:0015356.

Allele frequency attached by ClinVar (database versions not stated): gnomAD exomes below 0.00001.
gnomAD v4.1: 1 of 1,614,114 alleles (0.000062%); highest among the groups gnomAD compares: Non-Finnish European, 0.000085%; no homozygotes.

Submissions (2):

Ambry Genetics
Classification: Uncertain significance for Hereditary cancer-predisposing syndrome. Last evaluated: 2026-08-18. Review status: criteria provided, single submitter. Criteria: Ambry Variant Classification Scheme 2023. Collection method: clinical testing. Allele origin: germline.
Comment: The p.G225D variant (also known as c.674G>A), located in coding exon 1 of the MET gene, results from a G to A substitution at nucleotide position 674. The glycine at codon 225 is replaced by aspartic acid, an amino acid with similar properties. This amino acid position is highly conserved in available vertebrate species. In addition, the in silico prediction for this alteration is inconclusive. Based on the available evidence, the clinical significance of this variant remains unclear.

Labcorp Genetics (formerly Invitae), Labcorp
Classification: Uncertain significance for Renal cell carcinoma. Last evaluated: 2023-09-01. Review status: criteria provided, single submitter. Criteria: Invitae Variant Classification Sherloc (09022015). Collection method: clinical testing. Allele origin: germline.
Comment: This variant is not present in population databases (gnomAD no frequency). In summary, the available evidence is currently insufficient to determine the role of this variant in disease. Therefore, it has been classified as a Variant of Uncertain Significance. Advanced modeling of protein sequence and biophysical properties (such as structural, functional, and spatial information, amino acid conservation, physicochemical variation, residue mobility, and thermodynamic stability) performed at Invitae indicates that this missense variant is expected to disrupt MET protein function. ClinVar contains an entry for this variant (Variation ID: 1496610). This variant has not been reported in the literature in individuals affected with MET-related conditions. This sequence change replaces glycine, which is neutral and non-polar, with aspartic acid, which is acidic and polar, at codon 225 of the MET protein (p.Gly225Asp).

NM_000245.4(MET):c.674G>A (p.Gly225Asp)

Gene: MET (MET proto-oncogene, receptor tyrosine kinase; plus strand). Cytogenetic location: 7q31.2.
Variant type: single nucleotide variant.
Coding change: c.674G>A on transcript NM_000245.4 (MANE Select); coding-DNA position 674, G replaced by A.
Protein change: p.Gly225Asp; replaces glycine 225 with aspartic acid.
Molecular consequence: missense variant. On other transcripts: intron variant (1).
Genome position (GRCh38, 1-based): chr7:116,699,758, G>A. VCF-style: chr7-116699758-G-A. GRCh37 (hg19) VCF-style: chr7-116339812-G-A.
Other names: c.674G>A (NM_001127500.1); c.674G>A, p.Gly225Asp (NM_001127500.3, NM_001324401.3); c.-91+27181G>A (NM_001324402.2); short protein forms G225D.
Identifiers: ClinVar variation 1496610 (VCV001496610.9), dbSNP rs1791495307, ClinGen allele CA368969593.